The following is an entry in ClinVar:

NM_003982.4(SLC7A7):c.1429+2T>C

Gene: SLC7A7 (solute carrier family 7 member 7; minus strand). Cytogenetic location: 14q11.2.
Variant type: single nucleotide variant.
Coding change: c.1429+2T>C on transcript NM_003982.4 (MANE Select); the canonical splice donor site of the intron after coding-DNA position 1429, T replaced by C.
Molecular consequence: splice donor variant.
Genome position (GRCh38, 1-based): chr14:22,773,931, A>G on the plus strand (T>C on the coding strand, the complement: SLC7A7 is on the minus strand). VCF-style: chr14-22773931-A-G. GRCh37 (hg19) VCF-style: chr14-23243140-A-G.
Other names: c.1429+2T>C (NM_001126106.4, NM_001126105.3).
Identifiers: ClinVar variation 1999250 (VCV001999250.4), dbSNP rs2501831752, ClinGen allele CA388921063.

ClinVar aggregate classification (germline): Pathogenic (1 of 4 stars; one submission).

Conditions:
Lysinuric protein intolerance (LPI). Identifiers: Orphanet 470, MedGen C0268647, MONDO:0009109, OMIM 222700.

Submission:

Labcorp Genetics (formerly Invitae), Labcorp
Classification: Pathogenic for Lysinuric protein intolerance. Last evaluated: 2022-10-05. Review status: criteria provided, single submitter. Criteria: Invitae Variant Classification Sherloc (09022015). Collection method: clinical testing. Allele origin: germline.
Comment: Variants that disrupt the consensus splice site are a relatively common cause of aberrant splicing (PMID: 17576681, 9536098). Algorithms developed to predict the effect of sequence changes on RNA splicing suggest that this variant may disrupt the consensus splice site. For these reasons, this variant has been classified as Pathogenic. This variant disrupts a region of the SLC7A7 protein in which other variant(s) (p.Ser489Pro) have been observed in individuals with SLC7A7-related conditions (PMID: 12402335). This suggests that this is a clinically significant region of the protein, and that variants that disrupt it are likely to be disease-causing. Disruption of this splice site has been observed in individual(s) with lysinuric protein intolerance (Emtithal Aljishi. 2020. Journal of Biochemical and Clinical Genetics. Vol. 3). It has also been observed to segregate with disease in related individuals. This variant is not present in population databases (gnomAD no frequency). This sequence change affects a donor splice site in intron 10 of the SLC7A7 gene. While this variant is not anticipated to result in nonsense mediated decay, it likely alters RNA splicing and results in a disrupted protein product.

Literature cited by the submitters: PubMed 17576681; PubMed 9536098; PubMed 12402335.